The following is an entry in ClinVar:

ClinVar aggregate classification (germline): Uncertain significance (1 of 4 stars; one submission).

Conditions:
Congenital hyperammonemia, type I. Also called: Carbamoyl phosphate synthetase I deficiency disease; Carbamoyl-phosphate synthase I deficiency; CPS I DEFICIENCY; Carbamoyl phosphate synthetase 1 deficiency; Hyperammonemia due to carbamoyl phosphate synthetase 1 deficiency; CPS 1 deficiency. Identifiers: Orphanet 147, MedGen C4082171, MONDO:0009376, OMIM 237300.

Submission:

Labcorp Genetics (formerly Invitae), Labcorp
Classification: Uncertain significance for Congenital hyperammonemia, type I. Last evaluated: 2021-10-24. Review status: criteria provided, single submitter. Criteria: Invitae Variant Classification Sherloc (09022015). Collection method: clinical testing. Allele origin: germline.
Comment: This sequence change replaces glycine with serine at codon 1051 of the CPS1 protein (p.Gly1051Ser). The glycine residue is highly conserved and there is a small physicochemical difference between glycine and serine. This variant is not present in population databases (ExAC no frequency). This variant has not been reported in the literature in individuals affected with CPS1-related conditions. In summary, the available evidence is currently insufficient to determine the role of this variant in disease. Therefore, it has been classified as a Variant of Uncertain Significance. Algorithms developed to predict the effect of missense changes on protein structure and function are either unavailable or do not agree on the potential impact of this missense change (SIFT: "Deleterious"; PolyPhen-2: "Probably Damaging"; Align-GVGD: "Class C0").

NM_001875.5(CPS1):c.3151G>A (p.Gly1051Ser)

Gene: CPS1 (carbamoyl-phosphate synthase 1; plus strand). Cytogenetic location: 2q34.
Variant type: single nucleotide variant.
Coding change: c.3151G>A on transcript NM_001875.5 (MANE Select); coding-DNA position 3151, G replaced by A.
Protein change: p.Gly1051Ser; replaces glycine 1051 with serine.
Molecular consequence: missense variant. On other transcripts: non-coding transcript variant (2).
Genome position (GRCh38, 1-based): chr2:210,647,872, G>A. VCF-style: chr2-210647872-G-A. GRCh37 (hg19) VCF-style: chr2-211512596-G-A.
Other names: c.3151G>A, p.Gly1051Ser (NM_001122633.3, NM_001369257.1); c.3184G>A, p.Gly1062Ser (NM_001369256.1); short protein forms G1051S, G1062S.
Identifiers: ClinVar variation 1389004 (VCV001389004.6), dbSNP rs2105907837, ClinGen allele CA350435494.